The following is an entry in ClinVar:

ClinVar aggregate classification (germline): Uncertain significance (1 of 4 stars; one submission).

Submission:

Ambry Genetics
Classification: Uncertain significance. Last evaluated: 2022-09-18. Review status: criteria provided, single submitter. Criteria: Ambry Variant Classification Scheme 2023. Collection method: clinical testing. Allele origin: germline.
Comment: The p.P384S variant (also known as c.1150C>T), located in coding exon 3 of the PALLD gene, results from a C to T substitution at nucleotide position 1150. The proline at codon 384 is replaced by serine, an amino acid with similar properties. This amino acid position is conserved. In addition, this alteration is predicted to be deleterious by in silico analysis. Since supporting evidence is limited at this time, the clinical significance of this alteration remains unclear.

NM_001166108.2(PALLD):c.1150C>T (p.Pro384Ser)

Gene: PALLD (palladin, cytoskeletal associated protein; plus strand). Cytogenetic location: 4q32.3.
Variant type: single nucleotide variant.
Coding change: c.1150C>T on transcript NM_001166108.2 (MANE Select); coding-DNA position 1150, C replaced by T.
Protein change: p.Pro384Ser; replaces proline 384 with serine.
Molecular consequence: missense variant.
Genome position (GRCh38, 1-based): chr4:168,681,394, C>T. VCF-style: chr4-168681394-C-T. GRCh37 (hg19) VCF-style: chr4-169602545-C-T.
Other names: c.4C>T, p.Pro2Ser (NM_001166109.2); c.1150C>T, p.Pro384Ser (NM_016081.4); short protein forms P384S, P2S.
Identifiers: ClinVar variation 1733961 (VCV001733961.2), dbSNP rs2531574359, ClinGen allele CA358794120.
Genomic context (GRCh38, chr4:168,681,394, plus strand): 5'-GCCAGTTCAACAGATTCTGACAGTGAAAGTTTAGCTTTCAAATCAAGAGCTGGAGCTATG[C>T]CACAGTAAGTGCCTACAATTCCATCGATTATGTGGAAACAAAGAATGGCAACAGAATGGT-3'
Protein context (NP_001159580.1, residues 374-394): LAFKSRAGAM[Pro384Ser]QAQKKTTSVS